The following is an entry in ClinVar:

NM_000875.5(IGF1R):c.3616G>A (p.Ala1206Thr)

Gene: IGF1R (insulin like growth factor 1 receptor; plus strand). Cytogenetic location: 15q26.3.
Variant type: single nucleotide variant.
Coding change: c.3616G>A on transcript NM_000875.5 (MANE Select); coding-DNA position 3616, G replaced by A.
Protein change: p.Ala1206Thr; replaces alanine 1206 with threonine.
Molecular consequence: missense variant.
Genome position (GRCh38, 1-based): chr15:98,948,602, G>A. VCF-style: chr15-98948602-G-A. GRCh37 (hg19) VCF-style: chr15-99491831-G-A.
Other names: c.3613G>A, p.Ala1205Thr (NM_001291858.2); short protein forms A1205T, A1206T.
Identifiers: ClinVar variation 2900493 (VCV002900493.3), dbSNP rs772355972, ClinGen allele CA7752746.

ClinVar aggregate classification (germline): Uncertain significance (1 of 4 stars; one submission).

Allele frequency attached by ClinVar (database versions not stated): TOPMed below 0.00001; gnomAD 0.00001.
gnomAD v4.1: 17 of 1,613,890 alleles (0.0011%); highest among the groups gnomAD compares: South Asian, 0.0022%; no homozygotes.

Submission:

Labcorp Genetics (formerly Invitae), Labcorp
Classification: Uncertain significance. Last evaluated: 2023-11-16. Review status: criteria provided, single submitter. Criteria: Invitae Variant Classification Sherloc (09022015). Collection method: clinical testing. Allele origin: germline.
Comment: This sequence change replaces alanine, which is neutral and non-polar, with threonine, which is neutral and polar, at codon 1206 of the IGF1R protein (p.Ala1206Thr). This variant is present in population databases (rs772355972, gnomAD 0.003%). This variant has not been reported in the literature in individuals affected with IGF1R-related conditions. Advanced modeling of protein sequence and biophysical properties (such as structural, functional, and spatial information, amino acid conservation, physicochemical variation, residue mobility, and thermodynamic stability) performed at Invitae indicates that this missense variant is not expected to disrupt IGF1R protein function with a negative predictive value of 80%. In summary, the available evidence is currently insufficient to determine the role of this variant in disease. Therefore, it has been classified as a Variant of Uncertain Significance.